The following is an entry in ClinVar:

ClinVar aggregate classification (germline): Uncertain significance (1 of 4 stars; one submission).

Conditions:
TUB-related disorder. Also called: TUB-related condition.

gnomAD v4.1: 2 of 1,551,758 alleles (0.00013%); highest among the groups gnomAD compares: Admixed American, 0.0019%; no homozygotes.

Submission:

PreventionGenetics, part of Exact Sciences
Classification: Uncertain significance for TUB-related condition. Last evaluated: 2026-07-09. Review status: criteria provided, single submitter. Criteria: ACMG Guidelines, 2015. Collection method: clinical testing. Allele origin: germline.
Comment: The TUB c.24C>A variant is predicted to result in the amino acid substitution p.Asp8Glu. To our knowledge, this variant has not been reported in the literature. This variant is reported in 0.0037% of alleles in individuals of Latino descent in gnomAD. At this time, the clinical significance of this variant is uncertain due to the absence of conclusive functional and genetic evidence.

NM_177972.3(TUB):c.24C>A (p.Asp8Glu)

Gene: TUB (TUB bipartite transcription factor; plus strand). Cytogenetic location: 11p15.4.
Variant type: single nucleotide variant.
Coding change: c.24C>A on transcript NM_177972.3 (MANE Select); coding-DNA position 24, C replaced by A.
Protein change: p.Asp8Glu; replaces aspartic acid 8 with glutamic acid.
Molecular consequence: missense variant. On other transcripts: intron variant (5).
Genome position (GRCh38, 1-based): chr11:8,081,534, C>A. VCF-style: chr11-8081534-C-A. GRCh37 (hg19) VCF-style: chr11-8103081-C-A.
Other names: c.24C>A, p.Asp8Glu (NM_001440541.1); c.57-8076C>A (NM_001440538.1, NM_001440539.1, NM_001440540.1 and 1 more transcripts); c.204-8076C>A (NM_003320.5); short protein forms D8E.
Identifiers: ClinVar variation 4988260 (VCV004988260.1).